The following is an entry in ClinVar:

NM_000256.3(MYBPC3):c.2905+448A>G

Gene: MYBPC3 (myosin binding protein C3; minus strand). Cytogenetic location: 11p11.2.
Variant type: single nucleotide variant.
Coding change: c.2905+448A>G on transcript NM_000256.3 (MANE Select); 448 bases into the intron after coding-DNA position 2905, A replaced by G.
Molecular consequence: intron variant.
Genome position (GRCh38, 1-based): chr11:47,334,594, T>C on the plus strand (A>G on the coding strand, the complement: MYBPC3 is on the minus strand). VCF-style: chr11-47334594-T-C. GRCh37 (hg19) VCF-style: chr11-47356145-T-C.
Identifiers: ClinVar variation 2773714 (VCV002773714.6), dbSNP rs891663460, ClinGen allele CA221683254.

ClinVar aggregate classification (germline): Likely benign. Review status: criteria provided, multiple submitters, no conflicts (2 of 4 stars). 3 submissions from 3 submitters: Likely benign (3). Last evaluated 2025-12-08.

Conditions:
MYBPC3-related disorder. Also called: MYBPC3-related disorders; MYBPC3-related condition; MYBPC3-related disease.
Hypertrophic cardiomyopathy. Also called: HYPERTROPHIC MYOCARDIOPATHY. Identifiers: Orphanet 217569, MedGen C0007194, MeSH D002312, MONDO:0005045, HP:0001639.
Cardiomyopathy (CMYO). Also called: Cardiomyopathies. Identifiers: Orphanet 167848, MedGen C0878544, MONDO:0004994, HP:0001638. Inheritance: Various modes of inheritance.

Allele frequency attached by ClinVar (database versions not stated): gnomAD 0.00004; TOPMed 0.00006.
gnomAD v4.1: 6 of 151,590 alleles (0.004%); highest among the groups gnomAD compares: Non-Finnish European, 0.0074%; no homozygotes.

Submissions (3):

Labcorp Genetics (formerly Invitae), Labcorp
Classification: Likely benign for Hypertrophic cardiomyopathy. Last evaluated: 2025-12-08. Review status: criteria provided, single submitter. Criteria: Invitae Variant Classification Sherloc (09022015). Collection method: clinical testing. Allele origin: germline.

PreventionGenetics, part of Exact Sciences
Classification: Likely benign for MYBPC3-related condition. Last evaluated: 2025-07-09. Review status: criteria provided, single submitter. Criteria: ACMG Guidelines, 2015. Collection method: clinical testing. Allele origin: germline.
Comment: This variant is classified as likely benign based on ACMG/AMP sequence variant interpretation guidelines (Richards et al. 2015 PMID: 25741868, with internal and published modifications).

Color Diagnostics, LLC DBA Color Health
Classification: Likely benign for Cardiomyopathy. Last evaluated: 2023-10-31. Review status: criteria provided, single submitter. Criteria: ACMG Guidelines, 2015. Collection method: clinical testing. Allele origin: germline.